The following is an entry in ClinVar:

NM_001101426.4(CRPPA):c.646G>T (p.Ala216Ser)

Gene: CRPPA (CDP-L-ribitol pyrophosphorylase A; minus strand). Cytogenetic location: 7p21.2.
Variant type: single nucleotide variant.
Coding change: c.646G>T on transcript NM_001101426.4 (MANE Select); coding-DNA position 646, G replaced by T.
Protein change: p.Ala216Ser; replaces alanine 216 with serine.
Molecular consequence: missense variant. On other transcripts: non-coding transcript variant (1), intron variant (1).
Genome position (GRCh38, 1-based): chr7:16,376,130, C>A on the plus strand (G>T on the coding strand, the complement: CRPPA is on the minus strand). VCF-style: chr7-16376130-C-A. GRCh37 (hg19) VCF-style: chr7-16415755-C-A.
Other names: c.646G>T, p.Ala216Ser (NM_001368197.1); c.534+29931G>T (NM_001101417.4); short protein forms A216S.
Identifiers: ClinVar variation 858499 (VCV000858499.11), dbSNP rs1786876478, ClinGen allele CA367001965.

ClinVar aggregate classification (germline): Uncertain significance (1 of 4 stars; one submission).

Conditions:
Muscular dystrophy-dystroglycanopathy (congenital with brain and eye anomalies), type A, 7. Also called: WALKER-WARBURG SYNDROME OR MUSCLE-EYE-BRAIN DISEASE, ISPD-RELATED; Congenital muscular dystrophy-dystroglycanopathy with brain and eye anomalies, type A7. Identifiers: Orphanet 899, MedGen C3553330, MONDO:0013835, OMIM 614643.
Autosomal recessive limb-girdle muscular dystrophy type 2U. Also called: MUSCULAR DYSTROPHY, LIMB-GIRDLE, TYPE 2U; Muscular dystrophy-dystroglycanopathy (limb-girdle), type c, 7. Identifiers: Orphanet 352479, MedGen C5190987, MONDO:0014474, OMIM 616052.

Submission:

Labcorp Genetics (formerly Invitae), Labcorp
Classification: Uncertain significance for Muscular dystrophy-dystroglycanopathy (congenital with brain and eye anomalies), type A, 7; Autosomal recessive limb-girdle muscular dystrophy type 2U. Last evaluated: 2019-12-27. Review status: criteria provided, single submitter. Criteria: Invitae Variant Classification Sherloc (09022015). Collection method: clinical testing. Allele origin: germline.
Comment: This variant has not been reported in the literature in individuals with ISPD-related conditions. This variant is not present in population databases (ExAC no frequency). This sequence change replaces alanine with serine at codon 216 of the ISPD protein (p.Ala216Ser). The alanine residue is highly conserved and there is a moderate physicochemical difference between alanine and serine. Algorithms developed to predict the effect of missense changes on protein structure and function are either unavailable or do not agree on the potential impact of this missense change (SIFT: "Tolerated"; PolyPhen-2: "Probably Damaging"; Align-GVGD: "Class C0"). In summary, the available evidence is currently insufficient to determine the role of this variant in disease. Therefore, it has been classified as a Variant of Uncertain Significance.